The following is an entry in ClinVar:

NM_000138.5(FBN1):c.7228_7232dup (p.Val2412fs)

Gene: FBN1 (fibrillin 1; minus strand). Cytogenetic location: 15q21.1.
Variant type: Duplication.
Coding change: c.7228_7232dup on transcript NM_000138.5 (MANE Select); coding-DNA positions 7228 to 7232, 5 bases duplicated (CACGA; older notation c.7228_7232dupCACGA).
Protein change: p.Val2412fs; shifts the reading frame from valine 2412.
Molecular consequence: frameshift variant.
Genome position (GRCh38, 1-based): chr15:48,425,837-48,425,841, TCGTG duplicated on the plus strand (CACGA on the coding strand, the reverse complement: FBN1 is on the minus strand). VCF-style (leftmost placement, unchanged base first): chr15-48425836-A-ATCGTG. GRCh37 (hg19) VCF-style: chr15-48718033-A-ATCGTG.
Other names: c.7228_7232dupCACGA (NM_000138.4); short protein forms V2412fs.
Identifiers: ClinVar variation 406319 (VCV000406319.7), dbSNP rs1555394445, ClinGen allele CA16614397.

ClinVar aggregate classification (germline): Pathogenic. Review status: criteria provided, single submitter (1 of 4 stars). 2 submissions from 1 submitter: Pathogenic (2). Last evaluated 2016-08-31.

Conditions:
Marfan syndrome (MFS). Also called: Marfan syndrome, classic; Marfan syndrome type 1; Marfan's syndrome; MARFAN SYNDROME, TYPE I; FBN1-Related Marfan Syndrome. Identifiers: Orphanet 284963, Orphanet 558, MedGen C0024796, MONDO:0007947, OMIM 154700.
Familial thoracic aortic aneurysm and aortic dissection (TAAD). Also called: Thoracic aortic aneurysms and dissections. Identifiers: Orphanet 91387, MedGen C4707243, MONDO:0019625.

Submissions (2):

Labcorp Genetics (formerly Invitae), Labcorp
Classification: Pathogenic for Marfan syndrome. Last evaluated: 2016-08-31. Review status: criteria provided, single submitter. Criteria: Invitae Variant Classification Sherloc (09022015). Collection method: clinical testing. Allele origin: germline.
Comment: This sequence change inserts 5 nucleotide in exon 59 of the FBN1 mRNA (c.7228_7232dupCACGA), causing a frameshift at codon 2412. This creates a premature translational stop signal (p.Val2412Thrfs*28) and is expected to result in an absent or disrupted protein product. While this particular variant has not been reported in the literature, loss-of-function variants in FBN1 are known to be pathogenic (PMID: 17657824, 19293843). For these reasons, this variant has been classified as Pathogenic.

Labcorp Genetics (formerly Invitae), Labcorp
Classification: Pathogenic for Marfan syndrome; Familial thoracic aortic aneurysm and aortic dissection. Last evaluated: 2016-08-31. Review status: criteria provided, single submitter. Criteria: Invitae Variant Classification Sherloc (09022015). Collection method: clinical testing. Allele origin: germline.
Comment: For these reasons, this variant has been classified as Pathogenic. While this particular variant has not been reported in the literature, loss-of-function variants in FBN1 are known to be pathogenic (PMID: 17657824, 19293843). This sequence change inserts 5 nucleotide in exon 59 of the FBN1 mRNA (c.7228_7232dupCACGA), causing a frameshift at codon 2412. This creates a premature translational stop signal (p.Val2412Thrfs*28) and is expected to result in an absent or disrupted protein product.

Literature cited by the submitters: PubMed 17657824; PubMed 19293843.